The following is an entry in ClinVar:

ClinVar aggregate classification (germline): Uncertain significance (1 of 4 stars; one submission).

Conditions:
Dilated cardiomyopathy 1G (CMD1G). Identifiers: Orphanet 154, MedGen C1858763, MONDO:0011400, OMIM 604145.
Autosomal recessive limb-girdle muscular dystrophy type 2J (LGMDR10). Also called: Limb-girdle muscular dystrophy, type 2J; MUSCULAR DYSTROPHY, LIMB-GIRDLE, AUTOSOMAL RECESSIVE 10. Identifiers: Orphanet 140922, MedGen C1837342, MONDO:0012127, OMIM 608807.

gnomAD v4.1: 3 of 1,614,004 alleles (0.00019%); highest among the groups gnomAD compares: Non-Finnish European, 0.00025%; no homozygotes.

Submission:

Labcorp Genetics (formerly Invitae), Labcorp
Classification: Uncertain significance for Dilated cardiomyopathy 1G; Autosomal recessive limb-girdle muscular dystrophy type 2J. Last evaluated: 2025-01-02. Review status: criteria provided, single submitter. Criteria: Invitae Variant Classification Sherloc (09022015). Collection method: clinical testing. Allele origin: germline.
Comment: This sequence change replaces alanine, which is neutral and non-polar, with threonine, which is neutral and polar, at codon 35107 of the TTN protein (p.Ala35107Thr). This variant is not present in population databases (gnomAD no frequency). This variant has not been reported in the literature in individuals affected with TTN-related conditions. An algorithm developed to predict the effect of missense changes on protein structure and function outputs the following: PolyPhen-2: "Not Available". The threonine amino acid residue is found in multiple mammalian species, which suggests that this missense change does not adversely affect protein function. This variant is located in the M band of TTN (PMID: 25589632). Non-truncating variants in this region may be relevant for neuromuscular disorders, but have not been definitively shown to cause cardiomyopathy (PMID: 23975875). In summary, the available evidence is currently insufficient to determine the role of this variant in disease. Therefore, it has been classified as a Variant of Uncertain Significance.

Literature cited by the submitters: PubMed 25589632; PubMed 23975875.

NM_001267550.2(TTN):c.105319G>A (p.Ala35107Thr)

Genes: TTN-AS1 (TTN antisense RNA 1; plus strand), TTN (titin; minus strand). Cytogenetic location: 2q31.2.
Variant type: single nucleotide variant.
Coding change: c.105319G>A on transcript NM_001267550.2 (MANE Select); coding-DNA position 105319, G replaced by A.
Protein change: p.Ala35107Thr; replaces alanine 35107 with threonine.
Molecular consequence: missense variant.
Genome position (GRCh38, 1-based): chr2:178,531,296, C>T on the plus strand (G>A on the coding strand, the complement: TTN is on the minus strand). VCF-style: chr2-178531296-C-T. GRCh37 (hg19) VCF-style: chr2-179396023-C-T.
Other names: c.100396G>A, p.Ala33466Thr (NM_001256850.1); c.78124G>A, p.Ala26042Thr (NM_003319.4); c.97615G>A, p.Ala32539Thr (NM_133378.4); c.78499G>A, p.Ala26167Thr (NM_133432.3); c.78700G>A, p.Ala26234Thr (NM_133437.4); short protein forms A26042T, A26167T, A26234T, A32539T, A33466T, A35107T.
Identifiers: ClinVar variation 3760236 (VCV003760236.2).
Genomic context (GRCh38, chr2:178,531,296, plus strand): 5'-AAGTCGTCTTGATCTTTCTGGTTGTGGATTTTTCTTCCAGTGACTTTTCTTCTAATGCAG[C>T]ACTTTTCATTTCTGCAGATGCAGAGTGTTCATATGAGGAGAGACTTTCCCTTGTCTCCGT-3'
Protein context (NP_001254479.2, residues 35097-35117): EHSASAEMKS[Ala35107Thr]ALEEKSLEEK